The following is an entry in ClinVar:

ClinVar aggregate classification (germline): Uncertain significance. Review status: criteria provided, multiple submitters, no conflicts (2 of 4 stars). 2 submissions from 2 submitters: Uncertain significance (2). Last evaluated 2022-07-05.

Conditions:
Hereditary cancer-predisposing syndrome. Also called: Hereditary Cancer Syndrome; Hereditary neoplastic syndrome; Tumor predisposition; Neoplastic Syndromes, Hereditary. Identifiers: Orphanet 140162, MedGen C0027672, MeSH D009386, MONDO:0015356.
Hereditary nonpolyposis colorectal neoplasms. Identifiers: MedGen C0009405, MeSH D003123.

Submissions (2):

Ambry Genetics
Classification: Uncertain significance for Hereditary cancer-predisposing syndrome. Last evaluated: 2022-07-05. Review status: criteria provided, single submitter. Criteria: Ambry Variant Classification Scheme 2023. Collection method: clinical testing. Allele origin: germline.
Comment: The p.L767Q variant (also known as c.2300T>A), located in coding exon 14 of the PMS2 gene, results from a T to A substitution at nucleotide position 2300. The leucine at codon 767 is replaced by glutamine, an amino acid with dissimilar properties. This amino acid position is conserved. In addition, this alteration is predicted to be deleterious by in silico analysis. Since supporting evidence is limited at this time, the clinical significance of this alteration remains unclear.

Labcorp Genetics (formerly Invitae), Labcorp
Classification: Uncertain significance for Hereditary nonpolyposis colorectal neoplasms. Last evaluated: 2022-03-20. Review status: criteria provided, single submitter. Criteria: Invitae Variant Classification Sherloc (09022015). Collection method: clinical testing. Allele origin: germline.
Comment: Algorithms developed to predict the effect of sequence changes on RNA splicing suggest that this variant may disrupt the consensus splice site. Algorithms developed to predict the effect of missense changes on protein structure and function (SIFT, PolyPhen-2, Align-GVGD) all suggest that this variant is likely to be disruptive. This variant has not been reported in the literature in individuals affected with PMS2-related conditions. The frequency data for this variant in the population databases (gnomAD) is considered unreliable due to the presence of homologous sequence, such as pseudogenes or paralogs, in the genome. This sequence change replaces leucine, which is neutral and non-polar, with glutamine, which is neutral and polar, at codon 767 of the PMS2 protein (p.Leu767Gln). In summary, the available evidence is currently insufficient to determine the role of this variant in disease. Therefore, it has been classified as a Variant of Uncertain Significance.

NM_000535.7(PMS2):c.2300T>A (p.Leu767Gln)

Gene: PMS2 (PMS1 homolog 2, mismatch repair system component; minus strand). Cytogenetic location: 7p22.1.
Variant type: single nucleotide variant.
Coding change: c.2300T>A on transcript NM_000535.7 (MANE Select); coding-DNA position 2300, T replaced by A.
Protein change: p.Leu767Gln; replaces leucine 767 with glutamine.
Molecular consequence: missense variant.
Genome position (GRCh38, 1-based): chr7:5,977,733, A>T on the plus strand (T>A on the coding strand, the complement: PMS2 is on the minus strand). VCF-style: chr7-5977733-A-T. GRCh37 (hg19) VCF-style: chr7-6017364-A-T.
Other names: c.1895T>A, p.Leu632Gln (NM_001018040.1, NM_001322003.2, NM_001322004.2 and 12 more transcripts); c.2144T>A, p.Leu715Gln (NM_001322006.2); c.1982T>A, p.Leu661Gln (NM_001322007.2, NM_001322008.2, NM_001406883.1); c.1928T>A, p.Leu643Gln (NM_001322009.2, NM_001406887.1, NM_001406888.1); c.1739T>A, p.Leu580Gln (NM_001322010.2, NM_001406906.1, NM_001406907.1); c.1367T>A, p.Leu456Gln (NM_001322011.2, NM_001322012.2); c.1727T>A, p.Leu576Gln (NM_001322013.2, NM_001406908.1, NM_001406909.1); c.2333T>A, p.Leu778Gln (NM_001322014.2); and 18 more; short protein forms L366Q, L510Q, L655Q, L659Q, L661Q, L664Q, L672Q, L715Q.
Identifiers: ClinVar variation 1789292 (VCV001789292.6), dbSNP rs1781853056, ClinGen allele CA366736086.
Genomic context (GRCh38, chr7:5,977,733, plus strand): 5'-ATCAGTTCATCGACGTCCTGGGGTCCGAAGGTCCAGTTTTTACTAGTTGGCAAGGAAATC[A>T]GTTTAGCCCTTTCAGTGACTGGAGCTAAAAGAATACAATTTTGAGAAAAATCCATGACTT-3'
Protein context (NP_000526.2, residues 757-777): ENAPVTERAK[Leu767Gln]ISLPTSKNWT